The following is an entry in ClinVar:

NM_004655.4(AXIN2):c.2188G>T (p.Val730Phe)

Gene: AXIN2 (axin 2; minus strand). Cytogenetic location: 17q24.1.
Variant type: single nucleotide variant.
Coding change: c.2188G>T on transcript NM_004655.4 (MANE Select); coding-DNA position 2188, G replaced by T.
Protein change: p.Val730Phe; replaces valine 730 with phenylalanine.
Molecular consequence: missense variant.
Genome position (GRCh38, 1-based): chr17:65,535,675, C>A on the plus strand (G>T on the coding strand, the complement: AXIN2 is on the minus strand). VCF-style: chr17-65535675-C-A. GRCh37 (hg19) VCF-style: chr17-63531793-C-A.
Other names: c.1993G>T, p.Val665Phe (NM_001363813.1); short protein forms V730F, V665F.
Identifiers: ClinVar variation 2586357 (VCV002586357.2), dbSNP rs776003231, ClinGen allele CA400675789.

ClinVar aggregate classification (germline): Uncertain significance (1 of 4 stars; one submission).

Conditions:
Hereditary cancer-predisposing syndrome. Also called: Hereditary neoplastic syndrome; Tumor predisposition; Hereditary Cancer Syndrome; Neoplastic Syndromes, Hereditary. Identifiers: Orphanet 140162, MedGen C0027672, MeSH D009386, MONDO:0015356.

Submission:

Ambry Genetics
Classification: Uncertain significance for Hereditary cancer-predisposing syndrome. Last evaluated: 2023-07-05. Review status: criteria provided, single submitter. Criteria: Ambry Variant Classification Scheme 2023. Collection method: clinical testing. Allele origin: germline.
Comment: The p.V730F variant (also known as c.2188G>T), located in coding exon 8 of the AXIN2 gene, results from a G to T substitution at nucleotide position 2188. The valine at codon 730 is replaced by phenylalanine, an amino acid with highly similar properties. This amino acid position is conserved. In addition, this alteration is predicted to be tolerated by in silico analysis. Since supporting evidence is limited at this time, the clinical significance of this alteration remains unclear.